The following is an entry in ClinVar:

NM_004046.6(ATP5F1A):c.449T>C (p.Val150Ala)

Gene: ATP5F1A (ATP synthase F1 subunit alpha; minus strand). Cytogenetic location: 18q21.1.
Variant type: single nucleotide variant.
Coding change: c.449T>C on transcript NM_004046.6 (MANE Select); coding-DNA position 449, T replaced by C.
Protein change: p.Val150Ala; replaces valine 150 with alanine.
Molecular consequence: missense variant. On other transcripts: intron variant (1).
Genome position (GRCh38, 1-based): chr18:46,089,857, A>G on the plus strand (T>C on the coding strand, the complement: ATP5F1A is on the minus strand). VCF-style: chr18-46089857-A-G. GRCh37 (hg19) VCF-style: chr18-43669823-A-G.
Other names: c.299T>C, p.Val100Ala (NM_001001935.3, NM_001257335.2); c.449T>C, p.Val150Ala (NM_001001937.2); c.417+32T>C (NM_001257334.2); short protein forms V100A, V150A.
Identifiers: ClinVar variation 3131652 (VCV003131652.2), dbSNP rs1430762195, ClinGen allele CA402357646.
Genomic context (GRCh38, chr18:46,089,857, plus strand): 5'-CTATATCTAACGAACATTAAACCTACCTTTCCATCAATAGCATTACCAAGGGCATCAACT[A>G]CACGACCCAACAGCTCCTCACCAACTGGAACGTCCACAATGGCTCCTGTCCTCTTCACTA-3'
Protein context (NP_004037.1, residues 140-160): VPVGEELLGR[Val150Ala]VDALGNAIDG

ClinVar aggregate classification (germline): Uncertain significance (1 of 4 stars; one submission).

Conditions:
Inborn genetic diseases. Identifiers: MedGen C0950123, MeSH D030342.

Allele frequency attached by ClinVar (database versions not stated): gnomAD exomes below 0.00001.
gnomAD v4.1: 2 of 1,613,244 alleles (0.00012%); highest among the groups gnomAD compares: Admixed American, 0.0017%; no homozygotes.

Submission:

Ambry Genetics
Classification: Uncertain significance for Inborn genetic diseases. Last evaluated: 2025-10-18. Review status: criteria provided, single submitter. Criteria: Ambry Variant Classification Scheme 2023. Collection method: clinical testing. Allele origin: germline.
Comment: The c.449T>C (p.V150A) alteration is located in exon 5 (coding exon 4) of the ATP5A1 gene. This alteration results from a T to C substitution at nucleotide position 449, causing the valine (V) at amino acid position 150 to be replaced by an alanine (A). Based on data from gnomAD, the C allele has an overall frequency of <0.001% (1/250360) total alleles studied. The highest observed frequency was 0.003% (1/34354) of Latino alleles. Based on insufficient or conflicting evidence, the clinical significance of this alteration remains unclear.